The following is an entry in ClinVar:

NM_007294.4(BRCA1):c.206C>T (p.Thr69Ile)

Gene: BRCA1 (BRCA1 DNA repair associated; minus strand). Cytogenetic location: 17q21.31.
Variant type: single nucleotide variant.
Coding change: c.206C>T on transcript NM_007294.4 (MANE Select); coding-DNA position 206, C replaced by T.
Protein change: p.Thr69Ile; replaces threonine 69 with isoleucine.
Molecular consequence: missense variant.
Genome position (GRCh38, 1-based): chr17:43,106,462, G>A on the plus strand (C>T on the coding strand, the complement: BRCA1 is on the minus strand). VCF-style: chr17-43106462-G-A. GRCh37 (hg19) VCF-style: chr17-41258479-G-A.
Other names: c.206C>T, p.Thr69Ile (NM_001407581.1, NM_001407582.1, NM_001407583.1 and 168 more transcripts); c.65C>T, p.Thr22Ile (NM_001407692.1, NM_001407694.1, NM_001407695.1 and 99 more transcripts); short protein forms T69I, T22I.
Identifiers: ClinVar variation 441428 (VCV000441428.22), dbSNP rs273898675, ClinGen allele CA10601755.

ClinVar aggregate classification (germline): Conflicting classifications of pathogenicity. Review status: criteria provided, conflicting classifications (1 of 4 stars). 6 submissions from 6 submitters: Uncertain significance (4); Likely benign (2). Last evaluated 2025-01-29.

Conditions:
Hereditary breast ovarian cancer syndrome. Also called: Hereditary breast and ovarian cancer syndrome (HBOC); BRCA1- and BRCA2-Associated Hereditary Breast and Ovarian Cancer; Hereditary breast and/or ovarian cancer syndrome; Hereditary breast and ovarian cancer syndrome; Hereditary breast and ovarian cancer; Breast and ovarian cancer. Identifiers: Orphanet 145, MedGen C0677776, MeSH D061325, MONDO:0003582. Disease mechanism: loss of function.
Fanconi anemia, complementation group S (FANCS). Identifiers: MedGen C4554406, MONDO:0054748, OMIM 617883.
Hereditary cancer-predisposing syndrome. Also called: Neoplastic Syndromes, Hereditary; Hereditary neoplastic syndrome; Tumor predisposition; Hereditary Cancer Syndrome. Identifiers: Orphanet 140162, MedGen C0027672, MeSH D009386, MONDO:0015356.
Breast-ovarian cancer, familial, susceptibility to, 1 (BROVCA1). Also called: BRCA1 Hereditary Breast and Ovarian Cancer; OVARIAN CANCER, SUSCEPTIBILITY TO. Identifiers: Orphanet 145, MedGen C2676676, MONDO:0011450, OMIM 604370. Disease mechanism: loss of function.

Allele frequency attached by ClinVar (database versions not stated): gnomAD exomes below 0.00001; gnomAD 0.00001.
gnomAD v4.1: 2 of 1,589,614 alleles (0.00013%); highest among the groups gnomAD compares: Admixed American, 0.0017%; no homozygotes.

Submissions (7):

Labcorp Genetics (formerly Invitae), Labcorp
Classification: Uncertain significance for Hereditary breast ovarian cancer syndrome. Last evaluated: 2025-01-29. Review status: criteria provided, single submitter. Criteria: Invitae Variant Classification Sherloc (09022015). Collection method: clinical testing. Allele origin: germline.
Comment: This sequence change replaces threonine, which is neutral and polar, with isoleucine, which is neutral and non-polar, at codon 69 of the BRCA1 protein (p.Thr69Ile). This variant is not present in population databases (gnomAD no frequency). This variant has not been reported in the literature in individuals affected with BRCA1-related conditions. ClinVar contains an entry for this variant (Variation ID: 441428). Invitae Evidence Modeling incorporating data from in vitro experimental studies (PMID: 30209399) indicates that this missense variant is not expected to disrupt BRCA1 function with a negative predictive value of 95%. Experimental studies have shown that this missense change does not substantially affect BRCA1 function (PMID: 30209399). In summary, the available evidence is currently insufficient to determine the role of this variant in disease. Therefore, it has been classified as a Variant of Uncertain Significance.

Ambry Genetics
Classification: Likely benign for Hereditary cancer-predisposing syndrome. Last evaluated: 2024-12-27. Review status: criteria provided, single submitter. Criteria: Ambry Variant Classification Scheme 2023. Collection method: clinical testing. Allele origin: germline.

Lupski Lab, Baylor-Hopkins CMG, Baylor College of Medicine
Classification: Likely benign for Breast-ovarian cancer, familial, susceptibility to, 1. Last evaluated: 2024-04-12. Review status: criteria provided, single submitter. Criteria: Dawood et al. (medRxiv. 2024). Collection method: curation. Allele origin: germline.
Comment: Each variant was annotated with functional scores from MAVE data which was translated into functional evidence codes. All other evidence codes and combining criteria were adhered to as closely as possible based on the ClinGen VCEP (Variant Curation Expert Panel) gene-specific recommendations. See Supplemental Figure 34 of final paper (Supp Fig. 28 in preprint: doi:10.1101/2024.04.11.24305690) for a table to see which lines of evidence we did not have data for. The ClinGen VCEPs are highly regarded as the gold-standard for gene-specific variant curation and are developed after extensive evaluation of the evidence by clinical and scientific experts for the particular gene to classify genomic variants on a spectrum from pathogenic to benign using the 2015 ACMG/AMP Variant Interpretation Guidelines as a backbone (PMID: 25741868). Reclassification of these VUS variants from gnomAD or All of Us focused only on variants originally prescribed as VUS in ClinVar. To ensure reproducibility, transparency, and increased throughput, all the procedures for annotating variants and assigning evidence codes were codified using Python. All code has been made freely available and is linked in the Code Availability section and all reclassified variants with evidence codes used can be found in Tables S18-19 (preprint: doi:10.1101/2024.04.11.24305690). For the MAVE data, the clinical curation and clinical strength assignment as per the ClinGen recommendations in Brnich et al. (2020) (PMID: 31892348) for or against pathogenicity or benignity of each of these MAVE datasets utilized in this study were previously published in Fayer et al. (2021) (PMID: 34793697).In brief, for BRCA1 variants, if a variant was categorized as FUNC (functional), it was assigned BS3 evidence and no PS3 evidence, whereas if it was categorized as LOF (loss of function), the variant was assigned PS3 evidence and no BS3 evidence. Variants categorized as INT (intermediate) were left unannotated. For the BRCA1 combining criteria, greater than or equal to 1 criteria of strong benign evidence was enough to reclassify the VUS as Likely Benign. This variant GRCh38:17:43106462:G>A was assigned evidence codes ['BS3'] and an overall classification of Likely benign

Department of Pathology and Laboratory Medicine, Sinai Health System
Classification: Uncertain significance for Fanconi anemia, complementation group S. Last evaluated: 2024-01-22. Review status: criteria provided, single submitter. Criteria: ACMG Guidelines, 2015. Collection method: clinical testing. Allele origin: germline. Affected: no.

All of Us Research Program, National Institutes of Health
Classification: Uncertain significance for Breast-ovarian cancer, familial, susceptibility to, 1. Last evaluated: 2023-05-30. Review status: criteria provided, single submitter. Criteria: ACMG Guidelines, 2015. Collection method: clinical testing. Allele origin: germline. Inheritance: Autosomal dominant inheritance. Observed: 1 variant allele, 1 heterozygote.
Comment: This missense variant replaces threonine with isoleucine at codon 69 of the BRCA1 protein. Computational prediction is inconclusive regarding the impact of this variant on protein structure and function (internally defined REVEL score threshold 0.5 < inconclusive < 0.7, PMID: 27666373). Functional studies have reported that this variant has no impact on BRCA1 function in a haploid cell proliferation assay and a mammalian two-hybrid assay (PMID: 30209399, 35659930). To our knowledge, this variant has not been reported in individuals affected with hereditary cancer in the literature. This variant has not been identified in the general population by the Genome Aggregation Database (gnomAD). The available evidence is insufficient to determine the role of this variant in disease conclusively. Therefore, this variant is classified as a Variant of Uncertain Significance.

This study involves interpretation of variants in research participants for the purpose of population health screening. Participant phenotype was not available at the time of variant classification. Additional details can be found in publication PMID: 35346344, PMCID: PMC8962531

Women's Health and Genetics/Laboratory Corporation of America, LabCorp
Classification: Uncertain significance. Last evaluated: 2022-01-03. Review status: criteria provided, single submitter. Criteria: LabCorp Variant Classification Summary - May 2015. Collection method: clinical testing. Allele origin: germline.
Comment: Variant summary: BRCA1 c.206C>T (p.Thr69Ile) results in a non-conservative amino acid change in the encoded protein sequence. Five of five in-silico tools predict a damaging effect of the variant on protein function. The variant was absent in 249744 control chromosomes. The available data on variant occurrences in the general population are insufficient to allow any conclusion about variant significance. To our knowledge, no occurrence of c.206C>T in individuals affected with Hereditary Breast And Ovarian Cancer Syndrome has been reported. At least one publication reports experimental evidence evaluating an impact on protein function (example, Findlay_2018). These results showed no damaging effect of this variant on homology directed repair (HDR) activity. HDR assays qualify as a recognized gold standard on the basis of updated guidance provided by the ClinGen Sequence Variant Interpretation (SVI) working group. This working group has recommended strong functional evidence (ACMG BS3) as sufficient weightage for categorization as likely benign (Tavtigian_2018). Two clinical diagnostic laboratories have submitted clinical-significance assessments for this variant to ClinVar after 2014 without evidence for independent evaluation. All laboratories classified the variant as uncertain significance. As of this review, none of the submitters have cited the functional evidence utilized in the context of this evalution. Based on the evidence outlined above, pending additional peer consensus supported by co-occurrences demonstrating an alternative molecular basis of disease, the variant was classified as VUS-possibly benign.

Brotman Baty Institute, University of Washington
No classification provided (evidence only). Condition: Breast-ovarian cancer, familial 1. Review status: no classification provided. Collection method: in vitro. Allele origin: not applicable. Functional consequence: functionally_normal. Not counted in ClinVar's aggregate classification.
ClinVar note: "not provided" was previously submitted as the classification for the variant. However, the classification appeared to be based only on an observation of functional data so it was converted to no classification on 2025-07-30.

Literature cited by the submitters: PubMed 30209399 (cited by 5 submitters); PubMed 39142283 (cited by Lupski Lab, Baylor-Hopkins CMG, Baylor College of Medicine); PubMed 34793697 (cited by Lupski Lab, Baylor-Hopkins CMG, Baylor College of Medicine); DOI 10.1101/2024.04.11.24305690 (cited by Lupski Lab, Baylor-Hopkins CMG, Baylor College of Medicine); PubMed 35659930 (cited by All of Us Research Program, National Institutes of Health).